The following is an entry in ClinVar:

ClinVar aggregate classification (germline): Uncertain significance (1 of 4 stars; one submission).

Submission:

Labcorp Genetics (formerly Invitae), Labcorp
Classification: Uncertain significance. Last evaluated: 2022-09-27. Review status: criteria provided, single submitter. Criteria: Invitae Variant Classification Sherloc (09022015). Collection method: clinical testing. Allele origin: germline.
Comment: A copy number gain of the genomic region encompassing the full coding sequence of the CCDC115 gene has been identified. The boundaries of this event are unknown as they extend beyond the assayed region for this gene and therefore may encompass additional genes. As the precise location of this event is unknown, it may be in tandem or it may be located elsewhere in the genome. This variant has not been reported in the literature in individuals affected with CCDC115-related conditions. Experimental studies and prediction algorithms are not available or were not evaluated, and the functional significance of this variant is currently unknown. In summary, the available evidence is currently insufficient to determine the role of this variant in disease. Therefore, it has been classified as a Variant of Uncertain Significance.

NC_000002.11:g.(?_131096693)_(131099698_?)dup

Gene: CCDC115 (coiled-coil domain containing 115; minus strand). Cytogenetic location: 2q21.1.
Variant type: Duplication.
Identifiers: ClinVar variation 1401845 (VCV001401845.4).